The following is an entry in ClinVar:

ClinVar aggregate classification (germline): Conflicting classifications of pathogenicity. Review status: criteria provided, conflicting classifications (1 of 4 stars). 7 submissions from 7 submitters: Uncertain significance (1); Benign (1); Likely benign (5). Last evaluated 2026-02-01.

Conditions:
Neutral lipid storage myopathy (NLSDM). Also called: NEUTRAL LIPID STORAGE DISEASE WITHOUT ICHTHYOSIS. Identifiers: Orphanet 98908, MedGen C1853136, MONDO:0012545, OMIM 610717.

Allele frequency attached by ClinVar (database versions not stated): gnomAD 0.00048 and 0.00055; TOPMed 0.00056; 1000 Genomes Project 30x 0.00062; ESP Exome Variant Server 0.00069; 1000 Genomes Project 0.00080; gnomAD exomes 0.00086; ExAC 0.00097.
gnomAD v4.1: 975 of 1,612,576 alleles (0.06%); highest among the groups gnomAD compares: Middle Eastern, 1.3%; 6 homozygotes.

Submissions (7):

Labcorp Genetics (formerly Invitae), Labcorp
Classification: Likely benign for Neutral lipid storage myopathy. Last evaluated: 2026-02-01. Review status: criteria provided, single submitter. Criteria: Invitae Variant Classification Sherloc (09022015). Collection method: clinical testing. Allele origin: germline.

Genomic Medicine Center of Excellence, King Faisal Specialist Hospital and Research Centre
Classification: Likely benign for Neutral lipid storage myopathy. Last evaluated: 2025-07-30. Review status: criteria provided, single submitter. Criteria: ACMG Guidelines, 2015. Collection method: clinical testing. Allele origin: germline.

Mayo Clinic Laboratories, Mayo Clinic
Classification: Benign. Last evaluated: 2025-03-10. Review status: criteria provided, single submitter. Criteria: ACMG Guidelines, 2015. Collection method: clinical testing. Allele origin: germline. Observed: 4 variant alleles.
Comment: BS1, BS2, BP4, BP7

Blueprint Genetics
Classification: Likely benign. Last evaluated: 2024-11-26. Review status: criteria provided, single submitter. Criteria: ACMG Guidelines, 2015. Collection method: clinical testing. Allele origin: germline.

CeGaT Center for Human Genetics Tuebingen
Classification: Likely benign. Last evaluated: 2021-03-01. Review status: criteria provided, single submitter. Criteria: CeGaT Center For Human Genetics Tuebingen Variant Classification Criteria Version 2. Collection method: clinical testing. Allele origin: germline. Affected: yes. Observed: 2 variant alleles.

Illumina Laboratory Services, Illumina
Classification: Uncertain significance for Neutral lipid storage myopathy. Last evaluated: 2018-01-12. Review status: criteria provided, single submitter. Criteria: ICSL Variant Classification Criteria 13 December 2019. Collection method: clinical testing. Allele origin: germline.

PreventionGenetics, part of Exact Sciences
Classification: Likely benign. Review status: criteria provided, single submitter. Criteria: ACMG Guidelines, 2015. Collection method: clinical testing. Allele origin: germline.

NM_020376.4(PNPLA2):c.487-8C>T

Gene: PNPLA2 (patatin like domain 2, triacylglycerol lipase; plus strand). Cytogenetic location: 11p15.5.
Variant type: single nucleotide variant.
Coding change: c.487-8C>T on transcript NM_020376.4 (MANE Select); 8 bases into the intron before coding-DNA position 487, C replaced by T.
Molecular consequence: intron variant.
Genome position (GRCh38, 1-based): chr11:822,389, C>T. VCF-style: chr11-822389-C-T. GRCh37 (hg19) VCF-style: chr11-822389-C-T.
Other names: p.?.
Identifiers: ClinVar variation 261242 (VCV000261242.57), dbSNP rs201418203, ClinGen allele CA5791028.